The following is an entry in ClinVar:

NM_020299.5(AKR1B10):c.669A>T (p.Pro223=)

Gene: AKR1B10 (aldo-keto reductase family 1 member B10; plus strand). Cytogenetic location: 7q33.
Variant type: single nucleotide variant.
Coding change: c.669A>T on transcript NM_020299.5 (MANE Select); coding-DNA position 669, A replaced by T.
Protein change: p.Pro223=; no amino-acid change (proline 223 retained).
Molecular consequence: synonymous variant.
Genome position (GRCh38, 1-based): chr7:134,537,589, A>T. VCF-style: chr7-134537589-A-T. GRCh37 (hg19) VCF-style: chr7-134222341-A-T.
Identifiers: ClinVar variation 3025740 (VCV003025740.22), dbSNP rs2347382, ClinGen allele CA167016285.

ClinVar aggregate classification (germline): Likely benign (1 of 4 stars; one submission).

Allele frequency attached by ClinVar (database versions not stated): gnomAD exomes 0.00001; gnomAD 0.00003.
gnomAD v4.1: 24 of 1,613,758 alleles (0.0015%); highest among the groups gnomAD compares: Admixed American, 0.012%; no homozygotes.

Submission:

CeGaT Center for Human Genetics Tuebingen
Classification: Likely benign. Last evaluated: 2022-09-01. Review status: criteria provided, single submitter. Criteria: CeGaT Center For Human Genetics Tuebingen Variant Classification Criteria Version 2. Collection method: clinical testing. Allele origin: germline. Affected: yes. Observed: 1 variant allele.
Comment: AKR1B10: BP4, BP7